The following is an entry in ClinVar:

ClinVar aggregate classification (germline): Uncertain significance (1 of 4 stars; one submission).

Allele frequency attached by ClinVar (database versions not stated): gnomAD exomes below 0.00001.
gnomAD v4.1: 4 of 1,613,706 alleles (0.00025%); highest among the groups gnomAD compares: Admixed American, 0.005%; no homozygotes.

Submission:

Labcorp Genetics (formerly Invitae), Labcorp
Classification: Uncertain significance. Last evaluated: 2022-06-13. Review status: criteria provided, single submitter. Criteria: Invitae Variant Classification Sherloc (09022015). Collection method: clinical testing. Allele origin: germline.
Comment: This variant is present in population databases (no rsID available, gnomAD 0.009%). In summary, the available evidence is currently insufficient to determine the role of this variant in disease. Therefore, it has been classified as a Variant of Uncertain Significance. Algorithms developed to predict the effect of missense changes on protein structure and function are either unavailable or do not agree on the potential impact of this missense change (SIFT: "Deleterious"; PolyPhen-2: "Not Available"; Align-GVGD: "Class C0"). This variant has not been reported in the literature in individuals affected with PCLO-related conditions. This sequence change replaces tyrosine, which is neutral and polar, with cysteine, which is neutral and slightly polar, at codon 2015 of the PCLO protein (p.Tyr2015Cys).

NM_033026.6(PCLO):c.6044A>G (p.Tyr2015Cys)

Gene: PCLO (piccolo presynaptic cytomatrix protein; minus strand). Cytogenetic location: 7q21.11.
Variant type: single nucleotide variant.
Coding change: c.6044A>G on transcript NM_033026.6 (MANE Select); coding-DNA position 6044, A replaced by G.
Protein change: p.Tyr2015Cys; replaces tyrosine 2015 with cysteine.
Molecular consequence: missense variant.
Genome position (GRCh38, 1-based): chr7:82,954,909, T>C on the plus strand (A>G on the coding strand, the complement: PCLO is on the minus strand). VCF-style: chr7-82954909-T-C. GRCh37 (hg19) VCF-style: chr7-82584225-T-C.
Other names: c.6044A>G, p.Tyr2015Cys (NM_014510.3); short protein forms Y2015C.
Identifiers: ClinVar variation 2049332 (VCV002049332.4), dbSNP rs1410573416, ClinGen allele CA367920886.